The following is an entry in ClinVar:

ClinVar aggregate classification (germline): Uncertain significance (1 of 4 stars; one submission).

Conditions:
Ataxia-telangiectasia syndrome (AT). Also called: Ataxia-telangiectasia, complementation group D; AT, COMPLEMENTATION GROUP C; Ataxia-telangiectasia; Ataxia telangiectasia (A-T); Ataxia-telangiectasia, complementation group E; Cerebello-oculocutaneous telangiectasia. Identifiers: Orphanet 100, MedGen C0004135, MONDO:0008840, OMIM 208900.

Submission:

Labcorp Genetics (formerly Invitae), Labcorp
Classification: Uncertain significance for Ataxia-telangiectasia syndrome. Last evaluated: 2022-07-17. Review status: criteria provided, single submitter. Criteria: Invitae Variant Classification Sherloc (09022015). Collection method: clinical testing. Allele origin: germline.
Comment: This sequence change replaces threonine, which is neutral and polar, with isoleucine, which is neutral and non-polar, at codon 1908 of the ATM protein (p.Thr1908Ile). This variant is not present in population databases (gnomAD no frequency). This variant has not been reported in the literature in individuals affected with ATM-related conditions. ClinVar contains an entry for this variant (Variation ID: 1399879). Advanced modeling of protein sequence and biophysical properties (such as structural, functional, and spatial information, amino acid conservation, physicochemical variation, residue mobility, and thermodynamic stability) performed at Invitae indicates that this missense variant is not expected to disrupt ATM protein function. In summary, the available evidence is currently insufficient to determine the role of this variant in disease. Therefore, it has been classified as a Variant of Uncertain Significance.

NM_000051.4(ATM):c.5723C>T (p.Thr1908Ile)

Gene: ATM (ATM serine/threonine kinase; plus strand). Cytogenetic location: 11q22.3.
Variant type: single nucleotide variant.
Coding change: c.5723C>T on transcript NM_000051.4 (MANE Select); coding-DNA position 5723, C replaced by T.
Protein change: p.Thr1908Ile; replaces threonine 1908 with isoleucine.
Molecular consequence: missense variant.
Genome position (GRCh38, 1-based): chr11:108,307,945, C>T. VCF-style: chr11-108307945-C-T. GRCh37 (hg19) VCF-style: chr11-108178672-C-T.
Other names: c.5723C>T, p.Thr1908Ile (NM_001351834.2); short protein forms T1908I.
Identifiers: ClinVar variation 1399879 (VCV001399879.8), dbSNP rs2135977089, ClinGen allele CA382547947.